The following is an entry in ClinVar:

ClinVar aggregate classification (germline): Uncertain significance (1 of 4 stars; one submission).

Conditions:
Familial hemophagocytic lymphohistiocytosis 3 (FHL3). Also called: UNC13D-Related Familial Hemophagocytic Lymphohistiocytosis (UNC13D-fHLH). Identifiers: Orphanet 540, MedGen C1837174, MONDO:0012146, OMIM 608898.

Allele frequency attached by ClinVar (database versions not stated): gnomAD exomes below 0.00001; TOPMed below 0.00001; gnomAD 0.00001.
gnomAD v4.1: 6 of 1,603,552 alleles (0.00037%); highest among the groups gnomAD compares: East Asian, 0.0022%; no homozygotes.

Submission:

Labcorp Genetics (formerly Invitae), Labcorp
Classification: Uncertain significance for Familial hemophagocytic lymphohistiocytosis 3. Last evaluated: 2024-11-04. Review status: criteria provided, single submitter. Criteria: Invitae Variant Classification Sherloc (09022015). Collection method: clinical testing. Allele origin: germline.
Comment: This sequence change replaces glutamic acid, which is acidic and polar, with lysine, which is basic and polar, at codon 990 of the UNC13D protein (p.Glu990Lys). This variant is present in population databases (no rsID available, gnomAD 0.001%). This variant has not been reported in the literature in individuals affected with UNC13D-related conditions. ClinVar contains an entry for this variant (Variation ID: 1411174). Invitae Evidence Modeling of protein sequence and biophysical properties (such as structural, functional, and spatial information, amino acid conservation, physicochemical variation, residue mobility, and thermodynamic stability) indicates that this missense variant is not expected to disrupt UNC13D protein function with a negative predictive value of 80%. In summary, the available evidence is currently insufficient to determine the role of this variant in disease. Therefore, it has been classified as a Variant of Uncertain Significance.

NM_199242.3(UNC13D):c.2968G>A (p.Glu990Lys)

Gene: UNC13D (unc-13 homolog D; minus strand). Cytogenetic location: 17q25.1.
Variant type: single nucleotide variant.
Coding change: c.2968G>A on transcript NM_199242.3 (MANE Select); coding-DNA position 2968, G replaced by A.
Protein change: p.Glu990Lys; replaces glutamic acid 990 with lysine.
Molecular consequence: missense variant.
Genome position (GRCh38, 1-based): chr17:75,828,970, C>T on the plus strand (G>A on the coding strand, the complement: UNC13D is on the minus strand). VCF-style: chr17-75828970-C-T. GRCh37 (hg19) VCF-style: chr17-73825051-C-T.
Other names: short protein forms E990K.
Identifiers: ClinVar variation 1411174 (VCV001411174.5), dbSNP rs1157428482, ClinGen allele CA401075524.